The following is an entry in ClinVar:

ClinVar aggregate classification (germline): Benign (0 of 4 stars; one submission).

Conditions:
FAM83H-related disorder. Also called: FAM83H-related condition.

Allele frequency attached by ClinVar (database versions not stated): gnomAD 0.00021; gnomAD exomes 0.00022; TOPMed 0.00031; 1000 Genomes Project 0.00060; ExAC 0.00071; 1000 Genomes Project 30x 0.00109.

Submission:

PreventionGenetics, part of Exact Sciences
Classification: Benign for FAM83H-related condition. Last evaluated: 2024-04-17. Review status: no assertion criteria provided. Collection method: clinical testing. Allele origin: germline.
Comment: This variant is classified as benign based on ACMG/AMP sequence variant interpretation guidelines (Richards et al. 2015 PMID: 25741868, with internal and published modifications).

NM_198488.5(FAM83H):c.1510G>A (p.Gly504Arg)

Gene: FAM83H (family with sequence similarity 83 member H; minus strand). Cytogenetic location: 8q24.3.
Variant type: single nucleotide variant.
Coding change: c.1510G>A on transcript NM_198488.5 (MANE Select); coding-DNA position 1510, G replaced by A.
Protein change: p.Gly504Arg; replaces glycine 504 with arginine.
Molecular consequence: missense variant.
Genome position (GRCh38, 1-based): chr8:143,727,951, C>T on the plus strand (G>A on the coding strand, the complement: FAM83H is on the minus strand). VCF-style: chr8-143727951-C-T. GRCh37 (hg19) VCF-style: chr8-144810121-C-T.
Other names: short protein forms G504R.
Identifiers: ClinVar variation 3040239 (VCV003040239.2), dbSNP rs575240527, ClinGen allele CA4917402.